The following is an entry in ClinVar:

ClinVar aggregate classification (germline): Uncertain significance. Review status: criteria provided, multiple submitters, no conflicts (2 of 4 stars). 5 submissions from 5 submitters: Uncertain significance (5). Last evaluated 2026-01-23.

Conditions:
Juvenile polyposis syndrome (JPS). Identifiers: Orphanet 2929, MedGen C0345893, MONDO:0017380, OMIM 174900.
Hereditary cancer-predisposing syndrome. Also called: Neoplastic Syndromes, Hereditary; Hereditary Cancer Syndrome; Hereditary neoplastic syndrome; Tumor predisposition. Identifiers: Orphanet 140162, MedGen C0027672, MeSH D009386, MONDO:0015356.

Allele frequency attached by ClinVar (database versions not stated): gnomAD exomes below 0.00001; TOPMed below 0.00001; ExAC 0.00001; gnomAD 0.00001; ESP Exome Variant Server 0.00008.
gnomAD v4.1: 1 of 1,613,486 alleles (0.000062%); highest among the groups gnomAD compares: Non-Finnish European, 0.000085%; no homozygotes.

Submissions (5):

Labcorp Genetics (formerly Invitae), Labcorp
Classification: Uncertain significance for Juvenile polyposis syndrome. Last evaluated: 2026-01-23. Review status: criteria provided, single submitter. Criteria: Invitae Variant Classification Sherloc (09022015). Collection method: clinical testing. Allele origin: germline.
Comment: This sequence change replaces isoleucine, which is neutral and non-polar, with valine, which is neutral and non-polar, at codon 85 of the BMPR1A protein (p.Ile85Val). This variant is present in population databases (rs374739820, gnomAD 0.0009%). This variant has not been reported in the literature in individuals affected with BMPR1A-related conditions. ClinVar contains an entry for this variant (Variation ID: 141710). Invitae Evidence Modeling of protein sequence and biophysical properties (such as structural, functional, and spatial information, amino acid conservation, physicochemical variation, residue mobility, and thermodynamic stability) indicates that this missense variant is not expected to disrupt BMPR1A protein function with a negative predictive value of 80%. In summary, the available evidence is currently insufficient to determine the role of this variant in disease. Therefore, it has been classified as a Variant of Uncertain Significance.

Color Diagnostics, LLC DBA Color Health
Classification: Uncertain significance for Hereditary cancer-predisposing syndrome. Last evaluated: 2025-07-14. Review status: criteria provided, single submitter. Criteria: ACMG Guidelines, 2015. Collection method: clinical testing. Allele origin: germline.
Comment: This missense variant replaces isoleucine with valine at codon 85 of the BMPR1A protein. Computational prediction is inconclusive regarding the impact of this variant on protein structure and function. To our knowledge, functional studies have not been reported for this variant. This variant has not been reported in individuals affected with BMPR1A-related disorders in the literature. This variant has been identified in 1/251372 chromosomes in the general population by the Genome Aggregation Database (gnomAD). The available evidence is insufficient to determine the role of this variant in disease conclusively. Therefore, this variant is classified as a Variant of Uncertain Significance.

Quest Diagnostics Nichols Institute San Juan Capistrano
Classification: Uncertain significance. Last evaluated: 2025-02-07. Review status: criteria provided, single submitter. Criteria: Quest Diagnostics criteria. Collection method: clinical testing. Allele origin: unknown.
Comment: The BMPR1A c.253A>G (p.Ile85Val) variant has not been reported in individuals with BMPR1A-related conditions in the published literature. The frequency of this variant in the general population (Genome Aggregation Database) is uninformative in the assessment of its pathogenicity. Analysis of this variant using bioinformatics tools for the prediction of the effect of amino acid changes on protein structure and function yielded predictions that this variant is benign. Based on the available information, we are unable to determine the clinical significance of this variant.

Ambry Genetics
Classification: Uncertain significance for Hereditary cancer-predisposing syndrome. Last evaluated: 2023-05-25. Review status: criteria provided, single submitter. Criteria: Ambry Variant Classification Scheme 2023. Collection method: clinical testing. Allele origin: germline.
Comment: The p.I85V variant (also known as c.253A>G), located in coding exon 3 of the BMPR1A gene, results from an A to G substitution at nucleotide position 253. The isoleucine at codon 85 is replaced by valine, an amino acid with highly similar properties. In one study, this variant was detected in 0/165 colorectal cancer and/or polyposis patients and was identified in 1/2512 control individuals from a healthy population database (Rosenthal EA et al. Hum Genet, 2018 Oct;137:795-806). This amino acid position is highly conserved in available vertebrate species. In addition, the in silico prediction for this alteration is inconclusive. Since supporting evidence is limited at this time, the clinical significance of this alteration remains unclear.

GeneDx
Classification: Uncertain significance. Last evaluated: 2018-04-04. Review status: criteria provided, single submitter. Criteria: GeneDx Variant Classification (06012015). Collection method: clinical testing. Allele origin: germline. Affected: yes.
Comment: This variant is denoted BMPR1A c.253A>G at the cDNA level, p.Ile85Val (I85V) at the protein level, and results in the change of an Isoleucine to a Valine (ATC>GTC). This variant has not, to our knowledge, been published in the literature as pathogenic or benign. BMPR1A Ile85Val was not observed at a significant allele frequency in large population cohorts (Lek 2016). This variant is located in the extracellular domain and a cysteine-rich region of the MH1 domain (Howe 2004, UniProt). In silico analysis, which includes protein predictors and evolutionary conservation, supports that this variant does not alter protein structure/function. Based on currently available evidence, it is unclear whether BMPR1A Ile85Val is pathogenic or benign. We consider it to be a variant of uncertain significance.

Literature cited by the submitters: PubMed 30267214 (cited by Quest Diagnostics Nichols Institute San Juan Capistrano and Ambry Genetics).

NM_004329.3(BMPR1A):c.253A>G (p.Ile85Val)

Gene: BMPR1A (bone morphogenetic protein receptor type 1A; plus strand). Cytogenetic location: 10q23.2.
Variant type: single nucleotide variant.
Coding change: c.253A>G on transcript NM_004329.3 (MANE Select); coding-DNA position 253, A replaced by G.
Protein change: p.Ile85Val; replaces isoleucine 85 with valine.
Molecular consequence: missense variant.
Genome position (GRCh38, 1-based): chr10:86,892,149, A>G. VCF-style: chr10-86892149-A-G. GRCh37 (hg19) VCF-style: chr10-88651906-A-G.
Other names: short protein forms I85V.
Identifiers: ClinVar variation 141710 (VCV000141710.19), dbSNP rs374739820, ClinGen allele CA166196.
Genomic context (GRCh38, chr10:86,892,149, plus strand): 5'-ATTTATGTTTTGTTTTGTTTTGTTTTTTTCTGTTTTAGAACTAATGGACATTGCTTTGCC[A>G]TCATAGAAGAAGATGACCAGGGAGAAACCACATTAGCTTCAGGGTGTATGAAATATGAAG-3'
Protein context (NP_004320.2, residues 75-95): TCITNGHCFA[Ile85Val]IEEDDQGETT